The following is an entry in ClinVar:

ClinVar aggregate classification (germline): Uncertain significance (1 of 4 stars; one submission).

Allele frequency attached by ClinVar (database versions not stated): ExAC 0.00001; gnomAD 0.00001; TOPMed 0.00001; 1000 Genomes Project 0.00020; 1000 Genomes Project 30x 0.00031.
gnomAD v4.1: 4 of 1,614,092 alleles (0.00025%); highest among the groups gnomAD compares: African/African-American, 0.004%; no homozygotes.

Submission:

Labcorp Genetics (formerly Invitae), Labcorp
Classification: Uncertain significance. Last evaluated: 2021-10-22. Review status: criteria provided, single submitter. Criteria: Invitae Variant Classification Sherloc (09022015). Collection method: clinical testing. Allele origin: germline.
Comment: This sequence change replaces histidine, which is basic and polar, with aspartic acid, which is acidic and polar, at codon 243 of the PDZD7 protein (p.His243Asp). This variant is not present in population databases (gnomAD no frequency). This variant has not been reported in the literature in individuals affected with PDZD7-related conditions. Algorithms developed to predict the effect of missense changes on protein structure and function are either unavailable or do not agree on the potential impact of this missense change (SIFT: "Tolerated"; PolyPhen-2: "Not Available"; Align-GVGD: "Class C15"). In summary, the available evidence is currently insufficient to determine the role of this variant in disease. Therefore, it has been classified as a Variant of Uncertain Significance.

NM_001195263.2(PDZD7):c.727C>G (p.His243Asp)

Gene: PDZD7 (PDZ domain containing 7; minus strand). Cytogenetic location: 10q24.31.
Variant type: single nucleotide variant.
Coding change: c.727C>G on transcript NM_001195263.2 (MANE Select); coding-DNA position 727, C replaced by G.
Protein change: p.His243Asp; replaces histidine 243 with aspartic acid.
Molecular consequence: missense variant.
Genome position (GRCh38, 1-based): chr10:101,021,938, G>C on the plus strand (C>G on the coding strand, the complement: PDZD7 is on the minus strand). VCF-style: chr10-101021938-G-C. GRCh37 (hg19) VCF-style: chr10-102781695-G-C.
Other names: c.727C>G, p.His243Asp (NM_001351044.2, NM_024895.5); short protein forms H243D.
Identifiers: ClinVar variation 1517796 (VCV001517796.6), dbSNP rs561472174, ClinGen allele CA5654269.